The following is an entry in ClinVar:

ClinVar aggregate classification (germline): Uncertain significance. Review status: criteria provided, multiple submitters, no conflicts (2 of 4 stars). 2 submissions from 2 submitters: Uncertain significance (2). Last evaluated 2021-08-28.

Conditions:
Retinitis pigmentosa (RP). Identifiers: Orphanet 791, MedGen C0035334, MeSH D012174, MONDO:0019200, OMIM 268000. Inheritance: Autosomal dominant, autosomal recessive and X linked inheritance.

Allele frequency attached by ClinVar (database versions not stated): gnomAD exomes 0.00001; gnomAD 0.00002.
gnomAD v4.1: 16 of 1,614,038 alleles (0.00099%); highest among the groups gnomAD compares: African/African-American, 0.0013%; no homozygotes.

Submissions (2):

Labcorp Genetics (formerly Invitae), Labcorp
Classification: Uncertain significance. Last evaluated: 2021-08-28. Review status: criteria provided, single submitter. Criteria: Invitae Variant Classification Sherloc (09022015). Collection method: clinical testing. Allele origin: germline.
Comment: This sequence change replaces arginine with histidine at codon 281 of the AGBL5 protein (p.Arg281His). The arginine residue is highly conserved and there is a small physicochemical difference between arginine and histidine. This variant is not present in population databases (ExAC no frequency). This variant has not been reported in the literature in individuals affected with AGBL5-related conditions. Algorithms developed to predict the effect of missense changes on protein structure and function (SIFT, PolyPhen-2, Align-GVGD) all suggest that this variant is likely to be disruptive. In summary, the available evidence is currently insufficient to determine the role of this variant in disease. Therefore, it has been classified as a Variant of Uncertain Significance.

Broad Center for Mendelian Genomics, Broad Institute of MIT and Harvard
Classification: Uncertain significance for Retinitis pigmentosa. Last evaluated: 2021-04-01. Review status: criteria provided, single submitter. Criteria: ACMG Guidelines, 2015. Collection method: curation. Allele origin: germline. Inheritance: Autosomal recessive inheritance. Affected: yes.
Comment: Through a review of available evidence we were able to apply the following criteria: PM2, PP3. Based on this evidence we have classified this variant as a Variant of Uncertain Significance. If you have any questions about the classification please reach out to the Pierce Lab.

Literature cited by the submitters: PubMed 34906470 (cited by Broad Center for Mendelian Genomics, Broad Institute of MIT and Harvard).

NM_021831.6(AGBL5):c.842G>A (p.Arg281His)

Gene: AGBL5 (AGBL carboxypeptidase 5; plus strand). Cytogenetic location: 2p23.3.
Variant type: single nucleotide variant.
Coding change: c.842G>A on transcript NM_021831.6 (MANE Select); coding-DNA position 842, G replaced by A.
Protein change: p.Arg281His; replaces arginine 281 with histidine.
Molecular consequence: missense variant. On other transcripts: non-coding transcript variant (2).
Genome position (GRCh38, 1-based): chr2:27,055,187, G>A. VCF-style: chr2-27055187-G-A. GRCh37 (hg19) VCF-style: chr2-27278055-G-A.
Other names: c.842G>A, p.Arg281His (NM_001035507.3); short protein forms R281H.
Identifiers: ClinVar variation 1056829 (VCV001056829.8), dbSNP rs1448861312, ClinGen allele CA346175594.